The following is an entry in ClinVar:

NM_003820.4(TNFRSF14):c.304+624C>T

Gene: TNFRSF14 (TNF receptor superfamily member 14; plus strand). Cytogenetic location: 1p36.32.
Variant type: single nucleotide variant.
Coding change: c.304+624C>T on transcript NM_003820.4 (MANE Select); 624 bases into the intron after coding-DNA position 304, C replaced by T.
Molecular consequence: intron variant.
Genome position (GRCh38, 1-based): chr1:2,559,092, C>T. VCF-style: chr1-2559092-C-T. GRCh37 (hg19) VCF-style: chr1-2490531-C-T.
Other names: c.304+624C>T (NM_001297605.2).
Identifiers: ClinVar variation 133396 (VCV000133396.1), dbSNP rs587777980, ClinGen allele CA156488.

ClinVar aggregate classification (germline): not provided (0 of 4 stars; one submission).

Allele frequency attached by ClinVar (database versions not stated): gnomAD 0.00001; TOPMed 0.00001; gnomAD exomes 0.00003.
gnomAD v4.1: 22 of 1,368,248 alleles (0.0016%); highest among the groups gnomAD compares: African/African-American, 0.0057%; no homozygotes.

Submission:

ITMI
No classification provided. Condition: AllHighlyPenetrant. Last evaluated: 2013-09-19. Review status: no classification provided. Collection method: reference population. Allele origin: germline.
Comment: Please see associated publication for description of ethnicities

Literature cited by the submitters: PubMed 24728327.